The following is an entry in ClinVar:

ClinVar aggregate classification (germline): Benign. Review status: criteria provided, single submitter (1 of 4 stars). 2 submissions from 2 submitters: Benign (1). 1 of the submissions does not count toward it. Last evaluated 2018-06-11.

Conditions:
SPNS2-related disorder. Also called: SPNS2-related condition.

Allele frequency attached by ClinVar (database versions not stated): gnomAD exomes 0.00075 and 0.00131; ExAC 0.00139; ESP Exome Variant Server 0.00330; 1000 Genomes Project 30x 0.00375; 1000 Genomes Project 0.00379; gnomAD 0.00404 and 0.00432; TOPMed 0.00519.
gnomAD v4.1: 1,762 of 1,597,606 alleles (0.11%); highest among the groups gnomAD compares: African/African-American, 1.2%; 9 homozygotes.

Submissions (2):

Labcorp Genetics (formerly Invitae), Labcorp
Classification: Benign. Last evaluated: 2018-06-11. Review status: criteria provided, single submitter. Criteria: Invitae Variant Classification Sherloc (09022015). Collection method: clinical testing. Allele origin: germline.

PreventionGenetics, part of Exact Sciences
Classification: Benign for SPNS2-related condition. Last evaluated: 2019-11-12. Review status: no assertion criteria provided. Collection method: clinical testing. Allele origin: germline. Not counted in ClinVar's aggregate classification.
Comment: This variant is classified as benign based on ACMG/AMP sequence variant interpretation guidelines (Richards et al. 2015 PMID: 25741868, with internal and published modifications).

NM_001124758.3(SPNS2):c.1591G>A (p.Ala531Thr)

Gene: SPNS2 (SPNS lysolipid transporter 2, sphingosine-1-phosphate; plus strand). Cytogenetic location: 17p13.2.
Variant type: single nucleotide variant.
Coding change: c.1591G>A on transcript NM_001124758.3 (MANE Select); coding-DNA position 1591, G replaced by A.
Protein change: p.Ala531Thr; replaces alanine 531 with threonine.
Molecular consequence: missense variant.
Genome position (GRCh38, 1-based): chr17:4,536,410, G>A. VCF-style: chr17-4536410-G-A. GRCh37 (hg19) VCF-style: chr17-4439705-G-A.
Other names: short protein forms A531T.
Identifiers: ClinVar variation 717056 (VCV000717056.5), dbSNP rs200121169, ClinGen allele CA8303511.